The following is an entry in ClinVar:

NM_002890.3(RASA1):c.1588G>A (p.Val530Ile)

Genes: CCNH (cyclin H; minus strand), RASA1 (RAS p21 protein activator 1; plus strand). Cytogenetic location: 5q14.3.
Variant type: single nucleotide variant.
Coding change: c.1588G>A on transcript NM_002890.3 (MANE Select); coding-DNA position 1588, G replaced by A.
Protein change: p.Val530Ile; replaces valine 530 with isoleucine.
Molecular consequence: missense variant. On other transcripts: intron variant (1).
Genome position (GRCh38, 1-based): chr5:87,363,482, G>A. VCF-style: chr5-87363482-G-A. GRCh37 (hg19) VCF-style: chr5-86659299-G-A.
Other names: c.1057G>A, p.Val353Ile (NM_022650.3); c.933+31562C>T (NM_001364075.2); short protein forms V530I, V353I.
Identifiers: ClinVar variation 4614814 (VCV004614814.1).

ClinVar aggregate classification (germline): Uncertain significance. Review status: criteria provided, multiple submitters, no conflicts (2 of 4 stars). 2 submissions from 2 submitters: Uncertain significance (2). Last evaluated 2025-11-25.

Conditions:
Capillary malformation-arteriovenous malformation syndrome. Also called: Capillary malformation-arteriovenous malformation. Identifiers: Orphanet 137667, MedGen C1842180, MONDO:0012016.
Cardiovascular phenotype. Identifiers: MedGen CN230736.

gnomAD v4.1: 8 of 1,612,006 alleles (0.0005%); highest among the groups gnomAD compares: African/African-American, 0.0013%; no homozygotes.

Submissions (2):

Ambry Genetics
Classification: Uncertain significance for Cardiovascular phenotype. Last evaluated: 2025-11-25. Review status: criteria provided, single submitter. Criteria: Ambry Variant Classification Scheme 2023. Collection method: clinical testing. Allele origin: germline.
Comment: The p.V530I variant (also known as c.1588G>A), located in coding exon 11 of the RASA1 gene, results from a G to A substitution at nucleotide position 1588. The valine at codon 530 is replaced by isoleucine, an amino acid with highly similar properties. This amino acid position is conserved. In addition, this alteration is predicted to be tolerated by in silico analysis. Based on the available evidence, the clinical significance of this variant remains unclear.

Labcorp Genetics (formerly Invitae), Labcorp
Classification: Uncertain significance for Capillary malformation-arteriovenous malformation syndrome. Last evaluated: 2025-02-25. Review status: criteria provided, single submitter. Criteria: Invitae Variant Classification Sherloc (09022015). Collection method: clinical testing. Allele origin: germline.
Comment: This sequence change replaces valine, which is neutral and non-polar, with isoleucine, which is neutral and non-polar, at codon 530 of the RASA1 protein (p.Val530Ile). The frequency data for this variant in the population databases is considered unreliable, as metrics indicate poor data quality at this position in the gnomAD database. This variant has not been reported in the literature in individuals affected with RASA1-related conditions. An algorithm developed to predict the effect of missense changes on protein structure and function (PolyPhen-2) suggests that this variant is likely to be disruptive. In summary, the available evidence is currently insufficient to determine the role of this variant in disease. Therefore, it has been classified as a Variant of Uncertain Significance.